The following is an entry in ClinVar:

ClinVar aggregate classification (germline): Uncertain significance (1 of 4 stars; one submission).

Conditions:
Multiple gastrointestinal atresias. Also called: FAMILIAL INTESTINAL POLYATRESIA SYNDROME; Multiple intestinal atresia. Identifiers: Orphanet 2300, MedGen C0220744, MONDO:0009465.

Submission:

Labcorp Genetics (formerly Invitae), Labcorp
Classification: Uncertain significance for Multiple gastrointestinal atresias. Last evaluated: 2024-12-02. Review status: criteria provided, single submitter. Criteria: Invitae Variant Classification Sherloc (09022015). Collection method: clinical testing. Allele origin: germline.
Comment: This sequence change replaces serine, which is neutral and polar, with arginine, which is basic and polar, at codon 296 of the TTC7A protein (p.Ser296Arg). This variant is not present in population databases (gnomAD no frequency). This variant has not been reported in the literature in individuals affected with TTC7A-related conditions. ClinVar contains an entry for this variant (Variation ID: 2839670). Invitae Evidence Modeling of protein sequence and biophysical properties (such as structural, functional, and spatial information, amino acid conservation, physicochemical variation, residue mobility, and thermodynamic stability) indicates that this missense variant is expected to disrupt TTC7A protein function with a positive predictive value of 80%. In summary, the available evidence is currently insufficient to determine the role of this variant in disease. Therefore, it has been classified as a Variant of Uncertain Significance.

NM_020458.4(TTC7A):c.888T>A (p.Ser296Arg)

Gene: TTC7A (tetratricopeptide repeat domain 7A; plus strand). Cytogenetic location: 2p21.
Variant type: single nucleotide variant.
Coding change: c.888T>A on transcript NM_020458.4 (MANE Select); coding-DNA position 888, T replaced by A.
Protein change: p.Ser296Arg; replaces serine 296 with arginine.
Molecular consequence: missense variant. On other transcripts: intron variant (1).
Genome position (GRCh38, 1-based): chr2:46,994,401, T>A. VCF-style: chr2-46994401-T-A. GRCh37 (hg19) VCF-style: chr2-47221540-T-A.
Other names: c.888T>A, p.Ser296Arg (NM_001288951.2); c.786T>A, p.Ser262Arg (NM_001288953.2); c.-61-735T>A (NM_001288955.2); short protein forms S296R, S262R.
Identifiers: ClinVar variation 2839670 (VCV002839670.3), dbSNP rs2466630606, ClinGen allele CA346713381.